The following is an entry in ClinVar:

ClinVar aggregate classification (germline): Uncertain significance (1 of 4 stars; one submission).

Submission:

Labcorp Genetics (formerly Invitae), Labcorp
Classification: Uncertain significance. Last evaluated: 2020-11-11. Review status: criteria provided, single submitter. Criteria: Invitae Variant Classification Sherloc (09022015). Collection method: clinical testing. Allele origin: germline.
Comment: This sequence change replaces methionine with lysine at codon 84 of the ATOH7 protein (p.Met84Lys). The methionine residue is highly conserved and there is a moderate physicochemical difference between methionine and lysine. This variant is not present in population databases (ExAC no frequency). This variant has not been reported in the literature in individuals with ATOH7-related conditions. Algorithms developed to predict the effect of missense changes on protein structure and function (SIFT, PolyPhen-2, Align-GVGD) all suggest that this variant is likely to be disruptive, but these predictions have not been confirmed by published functional studies and their clinical significance is uncertain. In summary, the available evidence is currently insufficient to determine the role of this variant in disease. Therefore, it has been classified as a Variant of Uncertain Significance.

NM_145178.4(ATOH7):c.251T>A (p.Met84Lys)

Gene: ATOH7 (atonal bHLH transcription factor 7; minus strand). Cytogenetic location: 10q21.3.
Variant type: single nucleotide variant.
Coding change: c.251T>A on transcript NM_145178.4 (MANE Select); coding-DNA position 251, T replaced by A.
Protein change: p.Met84Lys; replaces methionine 84 with lysine.
Molecular consequence: missense variant.
Genome position (GRCh38, 1-based): chr10:68,231,427, A>T on the plus strand (T>A on the coding strand, the complement: ATOH7 is on the minus strand). VCF-style: chr10-68231427-A-T. GRCh37 (hg19) VCF-style: chr10-69991184-A-T.
Other names: short protein forms M84K.
Identifiers: ClinVar variation 1469294 (VCV001469294.8), dbSNP rs2044025947, ClinGen allele CA376835885.